The following is an entry in ClinVar:

NM_001035.3(RYR2):c.9351C>T (p.Phe3117=)

Gene: RYR2 (ryanodine receptor 2; plus strand). Cytogenetic location: 1q43.
Variant type: single nucleotide variant.
Coding change: c.9351C>T on transcript NM_001035.3 (MANE Select); coding-DNA position 9351, C replaced by T.
Protein change: p.Phe3117=; no amino-acid change (phenylalanine 3117 retained).
Molecular consequence: synonymous variant.
Genome position (GRCh38, 1-based): chr1:237,700,451, C>T. VCF-style: chr1-237700451-C-T. GRCh37 (hg19) VCF-style: chr1-237863751-C-T.
Other names: c.9351C>T, p.Phe3117= (LRG_402t1).
Identifiers: ClinVar variation 381149 (VCV000381149.16), dbSNP rs773455753, ClinGen allele CA087862.

ClinVar aggregate classification (germline): Likely benign. Review status: criteria provided, multiple submitters, no conflicts (2 of 4 stars). 5 submissions from 5 submitters: Likely benign (5). Last evaluated 2025-07-03.

Conditions:
Catecholaminergic polymorphic ventricular tachycardia (CVPT). Also called: Catecholamine-induced polymorphic ventricular tachycardia. Identifiers: Orphanet 3286, MedGen C5574922, MONDO:0017990.
Cardiovascular phenotype. Identifiers: MedGen CN230736.
Cardiomyopathy (CMYO). Also called: Cardiomyopathies. Identifiers: Orphanet 167848, MedGen C0878544, MONDO:0004994, HP:0001638. Inheritance: Various modes of inheritance.
Catecholaminergic polymorphic ventricular tachycardia 1. Also called: RYR2-Related Catecholaminergic Polymorphic Ventricular Tachycardia; VENTRICULAR TACHYCARDIA, STRESS-INDUCED POLYMORPHIC 1; VENTRICULAR TACHYCARDIA, CATECHOLAMINERGIC POLYMORPHIC, 1, WITH OR WITHOUT ATRIAL DYSFUNCTION AND/OR DILATED CARDIOMYOPATHY. Identifiers: Orphanet 3286, MedGen C1631597, MONDO:0011484, OMIM 604772.

Allele frequency attached by ClinVar (database versions not stated): ExAC 0.00001; gnomAD exomes 0.00001.

Submissions (5):

Labcorp Genetics (formerly Invitae), Labcorp
Classification: Likely benign for Catecholaminergic polymorphic ventricular tachycardia 1. Last evaluated: 2025-07-03. Review status: criteria provided, single submitter. Criteria: Invitae Variant Classification Sherloc (09022015). Collection method: clinical testing. Allele origin: germline.

All of Us Research Program, National Institutes of Health
Classification: Likely benign for Catecholaminergic polymorphic ventricular tachycardia. Last evaluated: 2023-12-13. Review status: criteria provided, single submitter. Criteria: ACMG Guidelines, 2015. Collection method: clinical testing. Allele origin: germline. Inheritance: Autosomal dominant inheritance. Observed: 1 variant allele, 1 heterozygote.
Comment: This study involves interpretation of variants in research participants for the purpose of population health screening. Participant phenotype was not available at the time of variant classification. Additional details can be found in publication PMID: 35346344, PMCID: PMC8962531

Ambry Genetics
Classification: Likely benign for Cardiovascular phenotype. Last evaluated: 2020-09-08. Review status: criteria provided, single submitter. Criteria: Ambry Variant Classification Scheme 2023. Collection method: clinical testing. Allele origin: germline.

Color Diagnostics, LLC DBA Color Health
Classification: Likely benign for Cardiomyopathy. Last evaluated: 2019-02-25. Review status: criteria provided, single submitter. Criteria: ACMG Guidelines, 2015. Collection method: clinical testing. Allele origin: germline.

GeneDx
Classification: Likely benign. Last evaluated: 2016-07-05. Review status: criteria provided, single submitter. Criteria: GeneDx Variant Classification (06012015). Collection method: clinical testing. Allele origin: germline. Affected: yes.
Comment: This variant is considered likely benign or benign based on one or more of the following criteria: it is a conservative change, it occurs at a poorly conserved position in the protein, it is predicted to be benign by multiple in silico algorithms, and/or has population frequency not consistent with disease.